The following is an entry in ClinVar:

NC_000022.10:g.(?_33828137)_(34157473_?)del

Gene: LARGE1 (LARGE xylosyl- and glucuronyltransferase 1; minus strand). Cytogenetic location: 22q12.3.
Variant type: Deletion.
Identifiers: ClinVar variation 1073612 (VCV001073612.7).

ClinVar aggregate classification (germline): Pathogenic (1 of 4 stars; one submission).

Conditions:
Muscular dystrophy-dystroglycanopathy type B6 (MDDGB6). Also called: MUSCULAR DYSTROPHY, CONGENITAL, LARGE-RELATED; MUSCULAR DYSTROPHY, CONGENITAL, TYPE 1D; MUSCULAR DYSTROPHY-DYSTROGLYCANOPATHY (CONGENITAL WITH IMPAIRED INTELLECTUAL DEVELOPMENT), TYPE B, 6. Identifiers: MedGen C1837229, MONDO:0012138, OMIM 608840.

Submission:

Labcorp Genetics (formerly Invitae), Labcorp
Classification: Pathogenic for Muscular dystrophy-dystroglycanopathy type B6. Last evaluated: 2020-02-11. Review status: criteria provided, single submitter. Criteria: Invitae Variant Classification Sherloc (09022015). Collection method: clinical testing. Allele origin: germline.
Comment: For these reasons, this variant has been classified as Pathogenic. Loss-of-function variants in LARGE1 are known to be pathogenic (PMID: 12966029, 17878207). This variant has not been reported in the literature in individuals with LARGE1-related conditions. This variant is a gross deletion of the genomic region encompassing exons 3-8 of the LARGE1 gene, which includes the initiator codon. The 5' end of this event is unknown as it extends beyond the assayed region for this gene and therefore may encompass additional genes. The 3' boundary is likely confined to intron 8 of the LARGE1 gene. This is expected to result in an absent or disrupted protein product.

Literature cited by the submitters: PubMed 12966029; PubMed 17878207.